The following is an entry in ClinVar:

NM_001110556.2(FLNA):c.1135G>C (p.Gly379Arg)

Gene: FLNA (filamin A; minus strand). Cytogenetic location: Xq28.
Variant type: single nucleotide variant.
Coding change: c.1135G>C on transcript NM_001110556.2 (MANE Select); coding-DNA position 1135, G replaced by C.
Protein change: p.Gly379Arg; replaces glycine 379 with arginine.
Molecular consequence: missense variant.
Genome position (GRCh38, 1-based): chrX:154,366,401, C>G on the plus strand (G>C on the coding strand, the complement: FLNA is on the minus strand). VCF-style: chrX-154366401-C-G. GRCh37 (hg19) VCF-style: chrX-153594769-C-G.
Other names: c.1135G>C, p.Gly379Arg (NM_001456.4); short protein forms G379R.
Identifiers: ClinVar variation 4785530 (VCV004785530.1).

ClinVar aggregate classification (germline): Uncertain significance (1 of 4 stars; one submission).

Conditions:
Heterotopia, periventricular, X-linked dominant (PVNH1). Also called: PERIVENTRICULAR NODULAR HETEROTOPIA 4; HETEROTOPIA, PERIVENTRICULAR, 1; PERIVENTRICULAR NODULAR HETEROTOPIA 1; X-linked periventricular heterotopia. Identifiers: Orphanet 2149, Orphanet 82004, MedGen C1848213, MONDO:0010233, OMIM 300049.
Oto-palato-digital syndrome, type II (OPD2). Also called: Otopalatodigital Syndrome, Type II; FACIOPALATOOSSEOUS SYNDROME; OPD II SYNDROME; Otopalatodigital Syndrome Type 2 (FLNA-OPD2). Identifiers: Orphanet 669, Orphanet 90652, MedGen C1844696, MONDO:0010571, OMIM 304120.
Melnick-Needles syndrome (MNS). Also called: MELNICK-NEEDLES OSTEODYSPLASTY; OSTEODYSPLASTY OF MELNICK AND NEEDLES; Melnick-Needles Syndrome (FLNA-MNS). Identifiers: Orphanet 2484, MedGen C0025237, MONDO:0010650, OMIM 309350.
Frontometaphyseal dysplasia (FMD1). Identifiers: Orphanet 1826, MedGen C0265293, MONDO:0015942.

Submission:

Labcorp Genetics (formerly Invitae), Labcorp
Classification: Uncertain significance for Oto-palato-digital syndrome, type II; Heterotopia, periventricular, X-linked dominant; Frontometaphyseal dysplasia; Melnick-Needles syndrome. Last evaluated: 2025-03-13. Review status: criteria provided, single submitter. Criteria: Invitae Variant Classification Sherloc (09022015). Collection method: clinical testing. Allele origin: germline.
Comment: This sequence change replaces glycine, which is neutral and non-polar, with arginine, which is basic and polar, at codon 379 of the FLNA protein (p.Gly379Arg). This variant is not present in population databases (gnomAD no frequency). This variant has not been reported in the literature in individuals affected with FLNA-related conditions. Invitae Evidence Modeling of protein sequence and biophysical properties (such as structural, functional, and spatial information, amino acid conservation, physicochemical variation, residue mobility, and thermodynamic stability) has been performed for this missense variant. However, the output from this modeling did not meet the statistical confidence thresholds required to predict the impact of this variant on FLNA protein function. In summary, the available evidence is currently insufficient to determine the role of this variant in disease. Therefore, it has been classified as a Variant of Uncertain Significance.